The following is an entry in ClinVar:

ClinVar aggregate classification (germline): Uncertain significance (1 of 4 stars; one submission).

Conditions:
Hypertrophic cardiomyopathy. Also called: HYPERTROPHIC MYOCARDIOPATHY. Identifiers: Orphanet 217569, MedGen C0007194, MeSH D002312, MONDO:0005045, HP:0001639.

Submission:

Labcorp Genetics (formerly Invitae), Labcorp
Classification: Uncertain significance for Hypertrophic cardiomyopathy. Last evaluated: 2023-04-10. Review status: criteria provided, single submitter. Criteria: Invitae Variant Classification Sherloc (09022015). Collection method: clinical testing. Allele origin: germline.
Comment: In summary, the available evidence is currently insufficient to determine the role of this variant in disease. Therefore, it has been classified as a Variant of Uncertain Significance. Advanced modeling of protein sequence and biophysical properties (such as structural, functional, and spatial information, amino acid conservation, physicochemical variation, residue mobility, and thermodynamic stability) performed at Invitae indicates that this missense variant is not expected to disrupt MYOM1 protein function. This variant has not been reported in the literature in individuals affected with MYOM1-related conditions. This variant is not present in population databases (gnomAD no frequency). This sequence change replaces glycine, which is neutral and non-polar, with glutamic acid, which is acidic and polar, at codon 705 of the MYOM1 protein (p.Gly705Glu).

NM_003803.4(MYOM1):c.2114G>A (p.Gly705Glu)

Gene: MYOM1 (myomesin 1; minus strand). Cytogenetic location: 18p11.31.
Variant type: single nucleotide variant.
Coding change: c.2114G>A on transcript NM_003803.4 (MANE Select); coding-DNA position 2114, G replaced by A.
Protein change: p.Gly705Glu; replaces glycine 705 with glutamic acid.
Molecular consequence: missense variant.
Genome position (GRCh38, 1-based): chr18:3,135,642, C>T on the plus strand (G>A on the coding strand, the complement: MYOM1 is on the minus strand). VCF-style: chr18-3135642-C-T. GRCh37 (hg19) VCF-style: chr18-3135640-C-T.
Other names: c.2114G>A, p.Gly705Glu (NM_019856.2); short protein forms G705E.
Identifiers: ClinVar variation 3016064 (VCV003016064.3), dbSNP rs2510636973, ClinGen allele CA401713060.